The following is an entry in ClinVar:

NM_000135.4(FANCA):c.617T>G (p.Val206Gly)

Gene: FANCA (FA complementation group A; minus strand). Cytogenetic location: 16q24.3.
Variant type: single nucleotide variant.
Coding change: c.617T>G on transcript NM_000135.4 (MANE Select); coding-DNA position 617, T replaced by G.
Protein change: p.Val206Gly; replaces valine 206 with glycine.
Molecular consequence: missense variant.
Genome position (GRCh38, 1-based): chr16:89,805,372, A>C on the plus strand (T>G on the coding strand, the complement: FANCA is on the minus strand). VCF-style: chr16-89805372-A-C. GRCh37 (hg19) VCF-style: chr16-89871780-A-C.
Other names: c.617T>G, p.Val206Gly (NM_001018112.3, NM_001286167.3); c.521T>G, p.Val174Gly (NM_001351830.2); short protein forms V206G, V174G.
Identifiers: ClinVar variation 4022148 (VCV004022148.1).
Genomic context (GRCh38, chr16:89,805,372, plus strand): 5'-TGGCAGGATGCTTCCATCTGTTCACAAAGGCAGCACAGATTCCTGAAGAGCCACGATCCC[A>C]CAGCATGCATGTCGGGATGGCTGGAGACACACACAGAGGCAGACGTAAGGCTCAACTAAA-3'
Protein context (NP_000126.2, residues 196-216): LLESHPDMHA[Val206Gly]GSWLFRNLCC

ClinVar aggregate classification (germline): Uncertain significance (1 of 4 stars; one submission).

Conditions:
Inborn genetic diseases. Identifiers: MedGen C0950123, MeSH D030342.

Submission:

Ambry Genetics
Classification: Uncertain significance for Inborn genetic diseases. Last evaluated: 2025-04-03. Review status: criteria provided, single submitter. Criteria: Ambry Variant Classification Scheme 2023. Collection method: clinical testing. Allele origin: germline.
Comment: The p.V206G variant (also known as c.617T>G), located in coding exon 7 of the FANCA gene, results from a T to G substitution at nucleotide position 617. The valine at codon 206 is replaced by glycine, an amino acid with dissimilar properties. This amino acid position is conserved. In addition, the in silico prediction for this alteration is inconclusive. Based on the available evidence, the clinical significance of this variant remains unclear.